The following is an entry in ClinVar:

ClinVar aggregate classification (germline): Benign. Review status: criteria provided, multiple submitters, no conflicts (2 of 4 stars). 5 submissions from 5 submitters: Benign (5). Last evaluated 2026-02-02.

Conditions:
Neuropathy, hereditary sensory and autonomic, type 2B (HSAN2B). Also called: RETREG1-Related HSAN2 (HSAN2B). Identifiers: Orphanet 970, MedGen C2751092, MONDO:0013142, OMIM 613115.

Allele frequency attached by ClinVar (database versions not stated): gnomAD exomes 0.02332 and 0.02836; ExAC 0.03201; gnomAD 0.07633 and 0.08069; 1000 Genomes Project 0.08287; ESP Exome Variant Server 0.08299; TOPMed 0.08414; 1000 Genomes Project 30x 0.08869.
gnomAD v4.1: 45,984 of 1,610,944 alleles (2.9%); highest among the groups gnomAD compares: African/African-American, 23%; 2,289 homozygotes.

Submissions (5):

Labcorp Genetics (formerly Invitae), Labcorp
Classification: Benign. Last evaluated: 2026-02-02. Review status: criteria provided, single submitter. Criteria: Invitae Variant Classification Sherloc (09022015). Collection method: clinical testing. Allele origin: germline.

Illumina Laboratory Services, Illumina
Classification: Benign for Neuropathy, hereditary sensory and autonomic, type 2B. Last evaluated: 2018-01-13. Review status: criteria provided, single submitter. Criteria: ICSL Variant Classification Criteria 13 December 2019. Collection method: clinical testing. Allele origin: germline.
Comment: This variant was observed in the ICSL laboratory as part of a predisposition screen in an ostensibly healthy population. It had not been previously curated by ICSL or reported in the Human Gene Mutation Database (HGMD: prior to June 1st, 2018), and was therefore a candidate for classification through an automated scoring system. Utilizing variant allele frequency, disease prevalence and penetrance estimates, and inheritance mode, an automated score was calculated to assess if this variant is too frequent to cause the disease. Based on the score and internal cut-off values, a variant classified as benign is not then subjected to further curation. The score for this variant resulted in a classification of benign for this disease.

Mayo Clinic Laboratories, Mayo Clinic
Classification: Benign. Last evaluated: 2016-05-05. Review status: criteria provided, single submitter. Criteria: ACMG Guidelines, 2015. Collection method: clinical testing. Allele origin: germline. Observed: 96 variant alleles.

GeneDx
Classification: Benign. Last evaluated: 2014-03-06. Review status: criteria provided, single submitter. Criteria: GeneDx Variant Classification (06012015). Collection method: clinical testing. Allele origin: germline. Affected: yes.
Comment: This variant is considered likely benign or benign based on one or more of the following criteria: it is a conservative change, it occurs at a poorly conserved position in the protein, it is predicted to be benign by multiple in silico algorithms, and/or has population frequency not consistent with disease.

Breakthrough Genomics
Classification: Benign. Review status: criteria provided, single submitter. Criteria: ACMG Guidelines, 2015. Collection method: not provided. Allele origin: germline. Inheritance: Autosomal recessive inheritance. Affected: yes.

NM_001034850.3(RETREG1):c.603T>C (p.Cys201=)

Gene: RETREG1 (reticulophagy regulator 1; minus strand). Cytogenetic location: 5p15.1.
Variant type: single nucleotide variant.
Coding change: c.603T>C on transcript NM_001034850.3 (MANE Select); coding-DNA position 603, T replaced by C.
Protein change: p.Cys201=; no amino-acid change (cysteine 201 retained).
Molecular consequence: synonymous variant.
Genome position (GRCh38, 1-based): chr5:16,481,076, A>G on the plus strand (T>C on the coding strand, the complement: RETREG1 is on the minus strand). VCF-style: chr5-16481076-A-G. GRCh37 (hg19) VCF-style: chr5-16481185-A-G.
Other names: p.C201C:TGT>TGC; p.Cys201=; c.180T>C, p.Cys60= (NM_019000.5).
Identifiers: ClinVar variation 137274 (VCV000137274.16), dbSNP rs16868675, ClinGen allele CA290806.